The following is an entry in ClinVar:

NM_004415.4(DSP):c.7995G>A (p.Thr2665=)

Gene: DSP (desmoplakin; plus strand). Cytogenetic location: 6p24.3.
Variant type: single nucleotide variant.
Coding change: c.7995G>A on transcript NM_004415.4 (MANE Select); coding-DNA position 7995, G replaced by A.
Protein change: p.Thr2665=; no amino-acid change (threonine 2665 retained).
Molecular consequence: synonymous variant.
Genome position (GRCh38, 1-based): chr6:7,585,257, G>A. VCF-style: chr6-7585257-G-A. GRCh37 (hg19) VCF-style: chr6-7585490-G-A.
Other names: p.T2665T:ACG>ACA; c.6198G>A, p.Thr2066= (NM_001008844.3); c.6666G>A, p.Thr2222= (NM_001319034.2); c.7995G>A (NM_004415.3).
Identifiers: ClinVar variation 44957 (VCV000044957.33), dbSNP rs35379048, ClinGen allele CA007343.

ClinVar aggregate classification (germline): Benign/Likely benign. Review status: criteria provided, multiple submitters, no conflicts (2 of 4 stars). 16 submissions from 14 submitters: Benign (7); Likely benign (6). 3 of the submissions do not count toward it. Last evaluated 2026-06-01.

Conditions:
Arrhythmogenic cardiomyopathy with wooly hair and keratoderma. Also called: Dilated cardiomyopathy with woolly hair and keratoderma; Carvajal syndrome; PALMOPLANTAR KERATODERMA WITH LEFT VENTRICULAR CARDIOMYOPATHY AND WOOLLY HAIR; Arrhythmogenic cardiomyopathy with woolly hair and keratoderma. Identifiers: Orphanet 65282, MedGen C1854063, MONDO:0011581, OMIM 605676.
Arrhythmogenic right ventricular dysplasia 8 (ARVD8). Also called: Arrhythmogenic Right Ventricular Dysplasia/Cardiomyopathy 8; ARRHYTHMOGENIC RIGHT VENTRICULAR DYSPLASIA, FAMILIAL, 8; ARRHYTHMOGENIC RIGHT VENTRICULAR CARDIOMYOPATHY 8. Identifiers: MedGen C1843896, MONDO:0011831, OMIM 607450.
Cardiomyopathy (CMYO). Also called: Cardiomyopathies. Identifiers: Orphanet 167848, MedGen C0878544, MONDO:0004994, HP:0001638. Inheritance: Various modes of inheritance.
Lethal acantholytic epidermolysis bullosa (EBLA). Identifiers: Orphanet 158687, MedGen C1864826, MONDO:0012323, OMIM 609638.
Woolly hair-skin fragility syndrome (WHSF). Identifiers: Orphanet 293165, MedGen C1843292, MONDO:0957307, OMIM 620415.

Allele frequency attached by ClinVar (database versions not stated): gnomAD exomes 0.00068; ExAC 0.00088; gnomAD 0.00241 and 0.00265; 1000 Genomes Project 0.00280; TOPMed 0.00282; 1000 Genomes Project 30x 0.00328; ESP Exome Variant Server 0.00384.
gnomAD v4.1: 721 of 1,614,106 alleles (0.045%); highest among the groups gnomAD compares: African/African-American, 0.84%; 2 homozygotes.

Submissions (16):

CeGaT Center for Human Genetics Tuebingen
Classification: Likely benign. Last evaluated: 2026-06-01. Review status: criteria provided, single submitter. Criteria: CeGaT Center For Human Genetics Tuebingen Variant Classification Criteria Version 2. Collection method: clinical testing. Allele origin: germline. Affected: yes. Observed: 1 variant allele.
Comment: DSP: BP4, BP7

Labcorp Genetics (formerly Invitae), Labcorp
Classification: Benign for Arrhythmogenic cardiomyopathy with wooly hair and keratoderma; Arrhythmogenic right ventricular dysplasia 8. Last evaluated: 2026-02-04. Review status: criteria provided, single submitter. Criteria: Invitae Variant Classification Sherloc (09022015). Collection method: clinical testing. Allele origin: germline.

Molecular Diagnostic Laboratory for Inherited Cardiovascular Disease, Montreal Heart Institute
Classification: Benign. Last evaluated: 2025-02-17. Review status: criteria provided, single submitter. Criteria: ACMG Guidelines, 2015. Collection method: clinical testing. Allele origin: germline. Affected: no.
Comment: BS1;BP6;BP7

Blueprint Genetics
Classification: Likely benign. Last evaluated: 2024-03-05. Review status: criteria provided, single submitter. Criteria: ACMG Guidelines, 2015. Collection method: clinical testing. Allele origin: germline.

All of Us Research Program, National Institutes of Health
Classification: Benign for Arrhythmogenic cardiomyopathy with wooly hair and keratoderma. Last evaluated: 2024-02-05. Review status: criteria provided, single submitter. Criteria: ACMG Guidelines, 2015. Collection method: clinical testing. Allele origin: germline. Inheritance: Autosomal dominant inheritance. Observed: 163 variant alleles, 163 heterozygotes.
Comment: This study involves interpretation of variants in research participants for the purpose of population health screening. Participant phenotype was not available at the time of variant classification. Additional details can be found in publication PMID: 35346344, PMCID: PMC8962531

CHEO Genetics Diagnostic Laboratory, Children's Hospital of Eastern Ontario
Classification: Benign for Cardiomyopathy. Last evaluated: 2022-11-09. Review status: criteria provided, single submitter. Criteria: ACMG Guidelines, 2015. Collection method: clinical testing. Allele origin: germline.

Color Diagnostics, LLC DBA Color Health
Classification: Benign for Cardiomyopathy. Last evaluated: 2018-04-13. Review status: criteria provided, single submitter. Criteria: ACMG Guidelines, 2015. Collection method: clinical testing. Allele origin: germline.

Illumina Laboratory Services, Illumina
Classification: Likely benign for Lethal acantholytic epidermolysis bullosa. Last evaluated: 2018-01-13. Review status: criteria provided, single submitter. Criteria: ICSL Variant Classification Criteria 13 December 2019. Collection method: clinical testing. Allele origin: germline.
Comment: This variant was observed in the ICSL laboratory as part of a predisposition screen in an ostensibly healthy population. It had not been previously curated by ICSL or reported in the Human Gene Mutation Database (HGMD: prior to June 1st, 2018), and was therefore a candidate for classification through an automated scoring system. Utilizing variant allele frequency, disease prevalence and penetrance estimates, and inheritance mode, an automated score was calculated to assess if this variant is too frequent to cause the disease. Based on the score and internal cut-off values, a variant classified as likely benign is not then subjected to further curation. The score for this variant resulted in a classification of likely benign for this disease.

Illumina Laboratory Services, Illumina
Classification: Likely benign for Arrhythmogenic cardiomyopathy with wooly hair and keratoderma. Last evaluated: 2018-01-13. Review status: criteria provided, single submitter. Criteria: ICSL Variant Classification Criteria 13 December 2019. Collection method: clinical testing. Allele origin: germline.
Comment: the same text as in the submission from Illumina Laboratory Services, Illumina above.

Illumina Laboratory Services, Illumina
Classification: Likely benign for Arrhythmogenic right ventricular dysplasia 8. Last evaluated: 2018-01-13. Review status: criteria provided, single submitter. Criteria: ICSL Variant Classification Criteria 13 December 2019. Collection method: clinical testing. Allele origin: germline.
Comment: the same text as in the submission from Illumina Laboratory Services, Illumina above.

GeneDx
Classification: Benign. Last evaluated: 2014-03-22. Review status: criteria provided, single submitter. Criteria: GeneDx Variant Classification (06012015). Collection method: clinical testing. Allele origin: germline. Affected: yes.
Comment: This variant is considered likely benign or benign based on one or more of the following criteria: it is a conservative change, it occurs at a poorly conserved position in the protein, it is predicted to be benign by multiple in silico algorithms, and/or has population frequency not consistent with disease.

Laboratory for Molecular Medicine, Mass General Brigham Personalized Medicine
Classification: Benign. Last evaluated: 2012-03-19. Review status: criteria provided, single submitter. Criteria: LMM Criteria. Collection method: clinical testing. Allele origin: germline. Observed: 4 variant alleles.
Comment: p.Thr2665Thr in Exon 24 of DSP: This variant is not expected to have clinical si gnificance because it does not alter an amino acid residue, is not located withi n the splice consensus sequence and has been identified in 1.2% (46/3738) of Afr ican American chromosomes from a broad population by the NHLBI Exome Sequencing Project (dbSNP rs35379048).

Breakthrough Genomics
Classification: Likely benign. Review status: criteria provided, single submitter. Criteria: ACMG Guidelines, 2015. Collection method: not provided. Allele origin: germline. Inheritance: Autosomal recessive inheritance. Affected: yes.

Clinical Genetics DNA and cytogenetics Diagnostics Lab, Erasmus MC, Erasmus Medical Center
Classification: Benign. Review status: no assertion criteria provided. Collection method: clinical testing. Allele origin: germline. Affected: yes. Study: VKGL Data-share Consensus. Not counted in ClinVar's aggregate classification.

Clinical Genetics, Academic Medical Center
Classification: Benign. Review status: no assertion criteria provided. Collection method: clinical testing. Allele origin: germline. Affected: yes. Study: VKGL Data-share Consensus. Not counted in ClinVar's aggregate classification.

Diagnostic Laboratory, Department of Genetics, University Medical Center Groningen
Classification: Benign. Review status: no assertion criteria provided. Collection method: clinical testing. Allele origin: germline. Affected: yes. Study: VKGL Data-share Consensus. Not counted in ClinVar's aggregate classification.